The following is an entry in ClinVar:

NM_000169.3(GLA):c.1151_1152delinsAT (p.Ile384Asn)

Genes: GLA (galactosidase alpha; minus strand), RPL36A-HNRNPH2 (RPL36A-HNRNPH2 readthrough; plus strand). Cytogenetic location: Xq22.1.
Variant type: Indel.
Coding change: c.1151_1152delinsAT on transcript NM_000169.3 (MANE Select); coding-DNA positions 1151 to 1152, TC replaced by AT.
Protein change: p.Ile384Asn; replaces isoleucine 384 with asparagine.
Molecular consequence: missense variant. On other transcripts: non-coding transcript variant (3), intron variant (2).
Genome position (GRCh38, 1-based): chrX:101,397,947-101,397,948, GA replaced by AT on the plus strand (TC replaced by AT on the coding strand, the reverse complement: GLA is on the minus strand). VCF-style: chrX-101397947-GA-AT. GRCh37 (hg19) VCF-style: chrX-100652935-GA-AT.
Other names: c.1274_1275delinsAT, p.Ile425Asn (NM_001406747.1); c.300+2490_300+2491delinsAT (NM_001199973.2); c.177+6125_177+6126delinsAT (NM_001199974.2); short protein forms I384N, I425N.
Identifiers: ClinVar variation 4087649 (VCV004087649.1).

ClinVar aggregate classification (germline): Likely pathogenic (1 of 4 stars; one submission).

Conditions:
Fabry disease. Also called: Fabry's disease; ALPHA-GALACTOSIDASE A DEFICIENCY; ANDERSON-FABRY DISEASE; CERAMIDE TRIHEXOSIDASE DEFICIENCY; GLA DEFICIENCY; HEREDITARY DYSTOPIC LIPIDOSIS. Identifiers: Orphanet 324, MedGen C0002986, MONDO:0010526, OMIM 301500, HP:0001071. Disease mechanism: Fabry disease is due to inactivating mutations in the X-linked GLA gene resulting in deficiency of the enzyme Alpha Galactosidase-A., loss of function.

Submission:

Genomenon, Inc
Classification: Likely pathogenic for Fabry disease. Last evaluated: 2025-09-19. Review status: criteria provided, single submitter. Criteria: Genomenon Sequence Variant Interpretation Standards. Collection method: curation. Allele origin: germline. Affected: no.
Comment: GLA p.Ile384Asn (c.1151_1152delinsAT) is a deletion-insertion variant that changes the amino acid at residue 384 from Isoleucine to Asparagine. This variant has been reported in the published literature (PMID:15776423). It is absent or not present at a significant frequency in gnomAD. Another cDNA variant that causes the same protein consequence has been determined to be pathogenic/likely pathogenic. In conclusion, we classify GLA p.Ile384Asn (c.1151_1152delinsAT) as a likely pathogenic variant.

Literature cited by the submitters: PubMed 15776423.